The following is an entry in ClinVar:

ClinVar aggregate classification (germline): Uncertain significance (1 of 4 stars; one submission).

gnomAD v4.1: 12 of 1,235,842 alleles (0.00097%); highest among the groups gnomAD compares: South Asian, 0.028%; no homozygotes.

Submission:

Labcorp Genetics (formerly Invitae), Labcorp
Classification: Uncertain significance. Last evaluated: 2025-05-14. Review status: criteria provided, single submitter. Criteria: Invitae Variant Classification Sherloc (09022015). Collection method: clinical testing. Allele origin: germline.
Comment: This sequence change replaces proline, which is neutral and non-polar, with arginine, which is basic and polar, at codon 799 of the SYNPO protein (p.Pro799Arg). The frequency data for this variant in the population databases is considered unreliable, as metrics indicate insufficient coverage at this position in the gnomAD database. This variant has not been reported in the literature in individuals affected with SYNPO-related conditions. An algorithm developed to predict the effect of missense changes on protein structure and function (PolyPhen-2) suggests that this variant is likely to be disruptive. In summary, the available evidence is currently insufficient to determine the role of this variant in disease. Therefore, it has been classified as a Variant of Uncertain Significance.

NM_007286.6(SYNPO):c.2396C>G (p.Pro799Arg)

Genes: SYNPO (synaptopodin; plus strand), LOC129995011 (ATAC-STARR-seq lymphoblastoid silent region 16516; plus strand). Cytogenetic location: 5q33.1.
Variant type: single nucleotide variant.
Coding change: c.2396C>G on transcript NM_007286.6 (MANE Select); coding-DNA position 2396, C replaced by G.
Protein change: p.Pro799Arg; replaces proline 799 with arginine.
Molecular consequence: missense variant.
Genome position (GRCh38, 1-based): chr5:150,656,771, C>G. VCF-style: chr5-150656771-C-G. GRCh37 (hg19) VCF-style: chr5-150036333-C-G.
Other names: short protein forms P799R.
Identifiers: ClinVar variation 4739510 (VCV004739510.1).
Genomic context (GRCh38, chr5:150,656,771, plus strand): 5'-ACCCGCGGCCCTTCTCCCCGCCGAGGGCGCCACCGCCCCCGCCCCCGCCCCCGCCCCCGC[C>G]CCCGCGCATGCGCTCGCCACAGCCCGCCCGCCCCGGCTCGGCTGCTGTGCCGGGGGCAGC-3'
Protein context (NP_009217.3, residues 789-809): PPPPPPPPPP[Pro799Arg]PRMRSPQPAR